The following is an entry in ClinVar:

ClinVar aggregate classification (germline): Benign/Likely benign. Review status: criteria provided, multiple submitters, no conflicts (2 of 4 stars). 4 submissions from 4 submitters: Benign (3); Likely benign (1). Last evaluated 2026-10-01.

Allele frequency attached by ClinVar (database versions not stated): 1000 Genomes Project 0.00020; 1000 Genomes Project 30x 0.00031; TOPMed 0.00075; ExAC 0.00090; gnomAD exomes 0.00093 and 0.00097; ESP Exome Variant Server 0.00100; gnomAD 0.00117 and 0.00123.
gnomAD v4.1: 1,520 of 1,614,094 alleles (0.094%); highest among the groups gnomAD compares: Non-Finnish European, 0.11%; 11 homozygotes.

Submissions (4):

CeGaT Center for Human Genetics Tuebingen
Classification: Likely benign. Last evaluated: 2026-10-01. Review status: criteria provided, single submitter. Criteria: CeGaT Center For Human Genetics Tuebingen Variant Classification Criteria Version 2. Collection method: clinical testing. Allele origin: germline. Affected: yes. Observed: 28 variant alleles.
Comment: BRPF1: BP4, BP7

Laboratory of Genetics, Children's Clinical University Hospital Latvia
Classification: Benign. Last evaluated: 2025-02-16. Review status: criteria provided, single submitter. Criteria: ACMG Guidelines, 2015. Collection method: clinical testing. Allele origin: germline. Affected: yes.

Labcorp Genetics (formerly Invitae), Labcorp
Classification: Benign. Last evaluated: 2019-12-31. Review status: criteria provided, single submitter. Criteria: Invitae Variant Classification Sherloc (09022015). Collection method: clinical testing. Allele origin: germline.

Breakthrough Genomics
Classification: Benign. Review status: criteria provided, single submitter. Criteria: ACMG Guidelines, 2015. Collection method: not provided. Allele origin: germline. Inheritance: Autosomal dominant inheritance. Affected: yes.

NM_001003694.2(BRPF1):c.354G>T (p.Val118=)

Gene: BRPF1 (bromodomain and PHD finger containing 1; plus strand). Cytogenetic location: 3p25.3.
Variant type: single nucleotide variant.
Coding change: c.354G>T on transcript NM_001003694.2 (MANE Select); coding-DNA position 354, G replaced by T.
Protein change: p.Val118=; no amino-acid change (valine 118 retained).
Molecular consequence: synonymous variant. On other transcripts: non-coding transcript variant (1).
Genome position (GRCh38, 1-based): chr3:9,734,494, G>T. VCF-style: chr3-9734494-G-T. GRCh37 (hg19) VCF-style: chr3-9776178-G-T.
Other names: c.354G>T, p.Val118= (NM_001319049.2, NM_001319050.2, NM_004634.3).
Identifiers: ClinVar variation 713778 (VCV000713778.30), dbSNP rs144860830, ClinGen allele CA2241687.